The following is an entry in ClinVar:

NM_024496.4(IRF2BPL):c.489_491dup (p.Ala164_Val165insAla)

Gene: IRF2BPL (interferon regulatory factor 2 binding protein like; minus strand). Cytogenetic location: 14q24.3.
Variant type: Duplication.
Coding change: c.489_491dup on transcript NM_024496.4 (MANE Select); coding-DNA positions 489 to 491, 3 bases duplicated (TGC; older notation c.489_491dupTGC).
Protein change: p.Ala164_Val165insAla.
Molecular consequence: inframe insertion.
Genome position (GRCh38, 1-based): chr14:77,027,302-77,027,304, GCA duplicated on the plus strand (TGC on the coding strand, the reverse complement: IRF2BPL is on the minus strand); duplicating any 3 consecutive bases within chr14:77,027,302-77,027,306 gives the same sequence; the c. name uses the placement nearest the transcript's 3' end. VCF-style (leftmost placement, unchanged base first): chr14-77027301-C-CGCA. GRCh37 (hg19) VCF-style: chr14-77493644-C-CGCA.
Other names: c.489_491dupTGC (NM_024496.3).
Identifiers: ClinVar variation 2689258 (VCV002689258.4), dbSNP rs772565832, ClinGen allele CA708703062.

ClinVar aggregate classification (germline): Uncertain significance. Review status: criteria provided, single submitter (1 of 4 stars). 2 submissions from 2 submitters: Uncertain significance (1). 1 of the submissions does not count toward it. Last evaluated 2023-06-14.

Conditions:
Neurodevelopmental disorder with regression, abnormal movements, loss of speech, and seizures. Identifiers: Orphanet 597623, MedGen C4748127, MONDO:0060759, OMIM 618088.
IRF2BPL-related disorder. Also called: IRF2BPL-related condition. Identifiers: MedGen CN381093.

Submissions (2):

Revvity Omics, Revvity
Classification: Uncertain significance for Neurodevelopmental disorder with regression, abnormal movements, loss of speech, and seizures. Last evaluated: 2023-06-14. Review status: criteria provided, single submitter. Criteria: ACMG Guidelines, 2015. Collection method: clinical testing. Allele origin: germline.

PreventionGenetics, part of Exact Sciences
Classification: Uncertain significance for IRF2BPL-related condition. Last evaluated: 2024-02-08. Review status: no assertion criteria provided. Collection method: clinical testing. Allele origin: germline. Not counted in ClinVar's aggregate classification.
Comment: The IRF2BPL c.489_491dupTGC variant is predicted to result in an in-frame duplication (p.Ala164dup). To our knowledge, this variant has not been reported in the literature or in a large population database, indicating this variant is rare. At this time, the clinical significance of this variant is uncertain due to the absence of conclusive functional and genetic evidence.